The following is an entry in ClinVar:

NM_001035.3(RYR2):c.10816G>A (p.Ala3606Thr)

Gene: RYR2 (ryanodine receptor 2; plus strand). Cytogenetic location: 1q43.
Variant type: single nucleotide variant.
Coding change: c.10816G>A on transcript NM_001035.3 (MANE Select); coding-DNA position 10816, G replaced by A.
Protein change: p.Ala3606Thr; replaces alanine 3606 with threonine.
Molecular consequence: missense variant.
Genome position (GRCh38, 1-based): chr1:237,727,177, G>A. VCF-style: chr1-237727177-G-A. GRCh37 (hg19) VCF-style: chr1-237890477-G-A.
Other names: c.10816G>A (NM_001035.2); short protein forms A3606T.
Identifiers: ClinVar variation 1021526 (VCV001021526.15), dbSNP rs772511386, ClinGen allele CA084536.

ClinVar aggregate classification (germline): Uncertain significance. Review status: criteria provided, multiple submitters, no conflicts (2 of 4 stars). 6 submissions from 6 submitters: Uncertain significance (4). 2 of the submissions do not count toward it. Last evaluated 2024-03-06.

Conditions:
Catecholaminergic polymorphic ventricular tachycardia (CVPT). Also called: Catecholamine-induced polymorphic ventricular tachycardia. Identifiers: Orphanet 3286, MedGen C5574922, MONDO:0017990.
Cardiovascular phenotype. Identifiers: MedGen CN230736.
Cardiomyopathy (CMYO). Also called: Cardiomyopathies. Identifiers: Orphanet 167848, MedGen C0878544, MONDO:0004994, HP:0001638. Inheritance: Various modes of inheritance.
Catecholaminergic polymorphic ventricular tachycardia 1. Also called: RYR2-Related Catecholaminergic Polymorphic Ventricular Tachycardia; VENTRICULAR TACHYCARDIA, CATECHOLAMINERGIC POLYMORPHIC, 1, WITH OR WITHOUT ATRIAL DYSFUNCTION AND/OR DILATED CARDIOMYOPATHY; VENTRICULAR TACHYCARDIA, STRESS-INDUCED POLYMORPHIC 1. Identifiers: Orphanet 3286, MedGen C1631597, MONDO:0011484, OMIM 604772.

Allele frequency attached by ClinVar (database versions not stated): gnomAD 0.00001; gnomAD exomes 0.00001; TOPMed 0.00001; ExAC 0.00002.
gnomAD v4.1: 13 of 1,560,918 alleles (0.00083%); highest among the groups gnomAD compares: Admixed American, 0.0037%; no homozygotes.

Submissions (6):

Color Diagnostics, LLC DBA Color Health
Classification: Uncertain significance for Cardiomyopathy. Last evaluated: 2024-03-06. Review status: criteria provided, single submitter. Criteria: ACMG Guidelines, 2015. Collection method: clinical testing. Allele origin: germline.
Comment: This missense variant replaces alanine with threonine at codon 3606 of the RYR2 protein. Computational prediction is inconclusive regarding the impact of this variant on protein structure and function (internally defined REVEL score threshold 0.5 < inconclusive < 0.7, PMID: 27666373). To our knowledge, functional studies have not been reported for this variant. This variant has not been reported in individuals affected with RYR2-related disorders in the literature. This variant has been identified in 3/222862 chromosomes in the general population by the Genome Aggregation Database (gnomAD). The available evidence is insufficient to determine the role of this variant in disease conclusively. Therefore, this variant is classified as a Variant of Uncertain Significance.

Ambry Genetics
Classification: Uncertain significance for Cardiovascular phenotype. Last evaluated: 2024-01-23. Review status: criteria provided, single submitter. Criteria: Ambry Variant Classification Scheme 2023. Collection method: clinical testing. Allele origin: germline.
Comment: The p.A3606T variant (also known as c.10816G>A), located in coding exon 76 of the RYR2 gene, results from a G to A substitution at nucleotide position 10816. The alanine at codon 3606 is replaced by threonine, an amino acid with similar properties. This amino acid position is well conserved in available vertebrate species. In addition, this alteration is predicted to be deleterious by in silico analysis. Based on the available evidence, the clinical significance of this alteration remains unclear.

All of Us Research Program, National Institutes of Health
Classification: Uncertain significance for Catecholaminergic polymorphic ventricular tachycardia. Last evaluated: 2023-12-13. Review status: criteria provided, single submitter. Criteria: ACMG Guidelines, 2015. Collection method: clinical testing. Allele origin: germline. Inheritance: Autosomal dominant inheritance. Observed: 4 variant alleles, 4 heterozygotes.
Comment: This missense variant replaces alanine with threonine at codon 3606 of the RYR2 protein. Computational prediction is inconclusive regarding the impact of this variant on protein structure and function (internally defined REVEL score threshold 0.5 < inconclusive < 0.7, PMID: 27666373). To our knowledge, functional studies have not been reported for this variant. This variant has not been reported in individuals affected with cardiovascular disorders in the literature. This variant has been identified in 3/222862 chromosomes in the general population by the Genome Aggregation Database (gnomAD). The available evidence is insufficient to determine the role of this variant in disease conclusively. Therefore, this variant is classified as a Variant of Uncertain Significance.

This study involves interpretation of variants in research participants for the purpose of population health screening. Participant phenotype was not available at the time of variant classification. Additional details can be found in publication PMID: 35346344, PMCID: PMC8962531

Labcorp Genetics (formerly Invitae), Labcorp
Classification: Uncertain significance for Catecholaminergic polymorphic ventricular tachycardia 1. Last evaluated: 2022-07-29. Review status: criteria provided, single submitter. Criteria: Invitae Variant Classification Sherloc (09022015). Collection method: clinical testing. Allele origin: germline.
Comment: This sequence change replaces alanine, which is neutral and non-polar, with threonine, which is neutral and polar, at codon 3606 of the RYR2 protein (p.Ala3606Thr). The frequency data for this variant in the population databases is considered unreliable, as metrics indicate poor data quality at this position in the gnomAD database. This variant has not been reported in the literature in individuals affected with RYR2-related conditions. ClinVar contains an entry for this variant (Variation ID: 1021526). Advanced modeling of protein sequence and biophysical properties (such as structural, functional, and spatial information, amino acid conservation, physicochemical variation, residue mobility, and thermodynamic stability) performed at Invitae indicates that this missense variant is not expected to disrupt RYR2 protein function. In summary, the available evidence is currently insufficient to determine the role of this variant in disease. Therefore, it has been classified as a Variant of Uncertain Significance.

Diagnostic Laboratory, Department of Genetics, University Medical Center Groningen
Classification: Uncertain significance. Review status: no assertion criteria provided. Collection method: clinical testing. Allele origin: germline. Affected: yes. Study: VKGL Data-share Consensus. Not counted in ClinVar's aggregate classification.

Genome Diagnostics Laboratory, University Medical Center Utrecht
Classification: Uncertain significance. Review status: no assertion criteria provided. Collection method: clinical testing. Allele origin: germline. Affected: yes. Study: VKGL Data-share Consensus. Not counted in ClinVar's aggregate classification.